The following is an entry in ClinVar:

ClinVar aggregate classification (germline): Uncertain significance. Review status: criteria provided, multiple submitters, no conflicts (2 of 4 stars). 2 submissions from 2 submitters: Uncertain significance (2). Last evaluated 2024-03-05.

Conditions:
Hereditary cancer-predisposing syndrome. Also called: Hereditary Cancer Syndrome; Hereditary neoplastic syndrome; Neoplastic Syndromes, Hereditary; Tumor predisposition. Identifiers: Orphanet 140162, MedGen C0027672, MeSH D009386, MONDO:0015356.
Retinoblastoma (RB1). Also called: RETINOBLASTOMA, SOMATIC. Identifiers: Orphanet 790, MedGen C0035335, MeSH D012175, MONDO:0008380, OMIM 180200, HP:0009919. Disease mechanism: loss of function. Inheritance: Both sporadic and heritable forms are tested..

Submissions (2):

All of Us Research Program, National Institutes of Health
Classification: Uncertain significance for Retinoblastoma. Last evaluated: 2024-03-05. Review status: criteria provided, single submitter. Criteria: ACMG Guidelines, 2015. Collection method: clinical testing. Allele origin: germline. Inheritance: Autosomal dominant inheritance. Observed: 1 variant allele, 1 heterozygote.
Comment: This study involves interpretation of variants in research participants for the purpose of population health screening. Participant phenotype was not available at the time of variant classification. Additional details can be found in publication PMID: 35346344, PMCID: PMC8962531

Ambry Genetics
Classification: Uncertain significance for Hereditary cancer-predisposing syndrome. Last evaluated: 2022-09-10. Review status: criteria provided, single submitter. Criteria: Ambry Variant Classification Scheme 2023. Collection method: clinical testing. Allele origin: germline.
Comment: The p.G437C variant (also known as c.1309G>T), located in coding exon 13 of the RB1 gene, results from a G to T substitution at nucleotide position 1309. The glycine at codon 437 is replaced by cysteine, an amino acid with highly dissimilar properties. This amino acid position is conserved. In addition, the in silico prediction for this alteration is inconclusive. Since supporting evidence is limited at this time, the clinical significance of this alteration remains unclear.

NM_000321.3(RB1):c.1309G>T (p.Gly437Cys)

Gene: RB1 (RB transcriptional corepressor 1; plus strand). Cytogenetic location: 13q14.2.
Variant type: single nucleotide variant.
Coding change: c.1309G>T on transcript NM_000321.3 (MANE Select); coding-DNA position 1309, G replaced by T.
Protein change: p.Gly437Cys; replaces glycine 437 with cysteine.
Molecular consequence: missense variant.
Genome position (GRCh38, 1-based): chr13:48,377,011, G>T. VCF-style: chr13-48377011-G-T. GRCh37 (hg19) VCF-style: chr13-48951147-G-T.
Other names: c.1309G>T, p.Gly437Cys (NM_001407165.1, NM_001407166.1); short protein forms G437C.
Identifiers: ClinVar variation 1769601 (VCV001769601.3), dbSNP rs1262874800, ClinGen allele CA388162144.
Genomic context (GRCh38, chr13:48,377,011, plus strand): 5'-AAAAGAGTGAAGGATATAGGATACATCTTTAAAGAGAAATTTGCTAAAGCTGTGGGACAG[G>T]GTTGTGTCGAAATTGGATCACAGGTAACTTGAATTCATTGTAATTCGTGGTACTATAGAG-3'
Protein context (NP_000312.2, residues 427-447): KEKFAKAVGQ[Gly437Cys]CVEIGSQRYK